The following is an entry in ClinVar:

ClinVar aggregate classification (germline): Likely benign. Review status: criteria provided, multiple submitters, no conflicts (2 of 4 stars). 2 submissions from 2 submitters: Likely benign (2). Last evaluated 2026-01-28.

Conditions:
Combined oxidative phosphorylation defect type 17. Also called: Combined oxidative phosphorylation deficiency 17. Identifiers: Orphanet 369913, MedGen C3809526, MONDO:0014190, OMIM 615440.

Allele frequency attached by ClinVar (database versions not stated): TOPMed 0.00006.
gnomAD v4.1: 33 of 1,614,068 alleles (0.002%); highest among the groups gnomAD compares: South Asian, 0.014%; no homozygotes.

Submissions (2):

Labcorp Genetics (formerly Invitae), Labcorp
Classification: Likely benign for Combined oxidative phosphorylation defect type 17. Last evaluated: 2026-01-28. Review status: criteria provided, single submitter. Criteria: Invitae Variant Classification Sherloc (09022015). Collection method: clinical testing. Allele origin: germline.

GeneDx
Classification: Likely benign. Last evaluated: 2016-03-24. Review status: criteria provided, single submitter. Criteria: GeneDx Variant Classification (06012015). Collection method: clinical testing. Allele origin: germline. Affected: yes.
Comment: This variant is considered likely benign or benign based on one or more of the following criteria: it is a conservative change, it occurs at a poorly conserved position in the protein, it is predicted to be benign by multiple in silico algorithms, and/or has population frequency not consistent with disease.

NM_018127.7(ELAC2):c.1479G>A (p.Pro493=)

Gene: ELAC2 (elaC ribonuclease Z 2; minus strand). Cytogenetic location: 17p12.
Variant type: single nucleotide variant.
Coding change: c.1479G>A on transcript NM_018127.7 (MANE Select); coding-DNA position 1479, G replaced by A.
Protein change: p.Pro493=; no amino-acid change (proline 493 retained).
Molecular consequence: synonymous variant.
Genome position (GRCh38, 1-based): chr17:12,998,453, C>T on the plus strand (G>A on the coding strand, the complement: ELAC2 is on the minus strand). VCF-style: chr17-12998453-C-T. GRCh37 (hg19) VCF-style: chr17-12901770-C-T.
Other names: c.1359G>A, p.Pro453= (NM_001165962.2); c.1476G>A, p.Pro492= (NM_173717.2).
Identifiers: ClinVar variation 384246 (VCV000384246.8), dbSNP rs140335642, ClinGen allele CA8401189.
Genomic context (GRCh38, chr17:12,998,453, plus strand): 5'-TCCTGGGAAAGCAGCATACCTTATGTTGACAAGTGTGGCACTGACATTTCGAATCTTCAT[C>T]GGGATGGCAGACCCTGTTCCAAGGAAGATGATTTCTGGGTACTGACTTCTTTTCTCTGTG-3'
Protein context (NP_060597.4, residues 483-503): IIFLGTGSAI[Pro493=]MKIRNVSATL